The following is an entry in ClinVar:

NM_001282933.2(ZNF341):c.1997G>A (p.Arg666Gln)

Genes: ZNF341 (zinc finger protein 341; plus strand), ZNF341-AS1 (ZNF341 antisense RNA 1; minus strand). Cytogenetic location: 20q11.22.
Variant type: single nucleotide variant.
Coding change: c.1997G>A on transcript NM_001282933.2 (MANE Select); coding-DNA position 1997, G replaced by A.
Protein change: p.Arg666Gln; replaces arginine 666 with glutamine.
Molecular consequence: missense variant. On other transcripts: non-coding transcript variant (1).
Genome position (GRCh38, 1-based): chr20:33,789,550, G>A. VCF-style: chr20-33789550-G-A. GRCh37 (hg19) VCF-style: chr20-32377356-G-A.
Other names: c.1727G>A, p.Arg576Gln (NM_001282935.2); c.1976G>A, p.Arg659Gln (NM_032819.5); short protein forms R666Q, R659Q, R576Q.
Identifiers: ClinVar variation 1350455 (VCV001350455.4), dbSNP rs573687093, ClinGen allele CA313311322.

ClinVar aggregate classification (germline): Uncertain significance (1 of 4 stars; one submission).

Allele frequency attached by ClinVar (database versions not stated): gnomAD exomes below 0.00001; gnomAD 0.00001; TOPMed 0.00001.
gnomAD v4.1: 8 of 1,613,938 alleles (0.0005%); highest among the groups gnomAD compares: East Asian, 0.0022%; no homozygotes.

Submission:

Labcorp Genetics (formerly Invitae), Labcorp
Classification: Uncertain significance. Last evaluated: 2023-07-17. Review status: criteria provided, single submitter. Criteria: Invitae Variant Classification Sherloc (09022015). Collection method: clinical testing. Allele origin: germline.
Comment: This sequence change replaces arginine, which is basic and polar, with glutamine, which is neutral and polar, at codon 659 of the ZNF341 protein (p.Arg659Gln). This variant is present in population databases (rs573687093, gnomAD 0.003%). This variant has not been reported in the literature in individuals affected with ZNF341-related conditions. ClinVar contains an entry for this variant (Variation ID: 1350455). An algorithm developed to predict the effect of missense changes on protein structure and function (PolyPhen-2) suggests that this variant is likely to be disruptive. In summary, the available evidence is currently insufficient to determine the role of this variant in disease. Therefore, it has been classified as a Variant of Uncertain Significance.